The following is an entry in ClinVar:

NM_006944.3(SPP2):c.64A>G (p.Met22Val)

Gene: SPP2 (secreted phosphoprotein 2; plus strand). Cytogenetic location: 2q37.1.
Variant type: single nucleotide variant.
Coding change: c.64A>G on transcript NM_006944.3 (MANE Select); coding-DNA position 64, A replaced by G.
Protein change: p.Met22Val; replaces methionine 22 with valine.
Molecular consequence: missense variant.
Genome position (GRCh38, 1-based): chr2:234,050,850, A>G. VCF-style: chr2-234050850-A-G. GRCh37 (hg19) VCF-style: chr2-234959494-A-G.
Other names: short protein forms M22V.
Identifiers: ClinVar variation 2964092 (VCV002964092.3), dbSNP rs369178666, ClinGen allele CA2183049.

ClinVar aggregate classification (germline): Uncertain significance (1 of 4 stars; one submission).

Allele frequency attached by ClinVar (database versions not stated): gnomAD 0.00004; ExAC 0.00002; TOPMed 0.00006; ESP Exome Variant Server 0.00008; gnomAD exomes 0.00008.
gnomAD v4.1: 124 of 1,613,968 alleles (0.0077%); highest among the groups gnomAD compares: Non-Finnish European, 0.0097%; no homozygotes.

Submission:

Labcorp Genetics (formerly Invitae), Labcorp
Classification: Uncertain significance. Last evaluated: 2025-03-25. Review status: criteria provided, single submitter. Criteria: Invitae Variant Classification Sherloc (09022015). Collection method: clinical testing. Allele origin: germline.
Comment: This sequence change replaces methionine, which is neutral and non-polar, with valine, which is neutral and non-polar, at codon 22 of the SPP2 protein (p.Met22Val). This variant is present in population databases (rs369178666, gnomAD 0.007%). This variant has not been reported in the literature in individuals affected with SPP2-related conditions. ClinVar contains an entry for this variant (Variation ID: 2964092). An algorithm developed to predict the effect of missense changes on protein structure and function outputs the following: PolyPhen-2: "Benign". The valine amino acid residue is found in multiple mammalian species, which suggests that this missense change does not adversely affect protein function. In summary, the available evidence is currently insufficient to determine the role of this variant in disease. Therefore, it has been classified as a Variant of Uncertain Significance.